The following is an entry in ClinVar:

ClinVar aggregate classification (germline): Uncertain significance. Review status: criteria provided, multiple submitters, no conflicts (2 of 4 stars). 2 submissions from 2 submitters: Uncertain significance (2). Last evaluated 2022-08-31.

Conditions:
Bardet-Biedl syndrome (BBS). Identifiers: Orphanet 110, MedGen C0752166, MONDO:0015229.
Bardet-Biedl syndrome 4 (BBS4). Identifiers: Orphanet 110, MedGen C2936864, MONDO:0014433, OMIM 615982.

Allele frequency attached by ClinVar (database versions not stated): gnomAD exomes below 0.00001; ExAC 0.00001.

Submissions (2):

Labcorp Genetics (formerly Invitae), Labcorp
Classification: Uncertain significance for Bardet-Biedl syndrome. Last evaluated: 2022-08-31. Review status: criteria provided, single submitter. Criteria: Invitae Variant Classification Sherloc (09022015). Collection method: clinical testing. Allele origin: germline.
Comment: Algorithms developed to predict the effect of missense changes on protein structure and function are either unavailable or do not agree on the potential impact of this missense change (SIFT: "Deleterious"; PolyPhen-2: "Possibly Damaging"; Align-GVGD: "Class C0"). Algorithms developed to predict the effect of sequence changes on RNA splicing suggest that this variant may disrupt the consensus splice site. In summary, the available evidence is currently insufficient to determine the role of this variant in disease. Therefore, it has been classified as a Variant of Uncertain Significance. ClinVar contains an entry for this variant (Variation ID: 850210). This sequence change replaces aspartic acid, which is acidic and polar, with glycine, which is neutral and non-polar, at codon 442 of the BBS4 protein (p.Asp442Gly). This variant is present in population databases (rs753145823, gnomAD 0.003%). This variant has not been reported in the literature in individuals affected with BBS4-related conditions.

Fulgent Genetics
Classification: Uncertain significance for Bardet-Biedl syndrome 4. Last evaluated: 2022-01-18. Review status: criteria provided, single submitter. Criteria: ACMG Guidelines, 2015. Collection method: clinical testing. Allele origin: unknown.

NM_033028.5(BBS4):c.1325A>G (p.Asp442Gly)

Gene: BBS4 (Bardet-Biedl syndrome 4; plus strand). Cytogenetic location: 15q24.1.
Variant type: single nucleotide variant.
Coding change: c.1325A>G on transcript NM_033028.5 (MANE Select); coding-DNA position 1325, A replaced by G.
Protein change: p.Asp442Gly; replaces aspartic acid 442 with glycine.
Molecular consequence: missense variant. On other transcripts: non-coding transcript variant (2).
Genome position (GRCh38, 1-based): chr15:72,736,838, A>G. VCF-style: chr15-72736838-A-G. GRCh37 (hg19) VCF-style: chr15-73029179-A-G.
Other names: c.809A>G, p.Asp270Gly (NM_001252678.2); c.1256A>G, p.Asp419Gly (NM_001320665.2); short protein forms D419G, D442G, D270G.
Identifiers: ClinVar variation 850210 (VCV000850210.12), dbSNP rs753145823, ClinGen allele CA7646997.